The following is an entry in ClinVar:

NM_172107.4(KCNQ2):c.1056_1057delinsCG (p.Arg353Gly)

Gene: KCNQ2 (potassium voltage-gated channel subfamily Q member 2; minus strand). Cytogenetic location: 20q13.33.
Variant type: Indel.
Coding change: c.1056_1057delinsCG on transcript NM_172107.4 (MANE Select); coding-DNA positions 1056 to 1057, GC replaced by CG.
Protein change: p.Arg353Gly; replaces arginine 353 with glycine.
Molecular consequence: missense variant.
Genome position (GRCh38, 1-based): chr20:63,433,870-63,433,871, GC replaced by CG on the plus strand (GC replaced by CG on the coding strand, the reverse complement: KCNQ2 is on the minus strand). VCF-style: chr20-63433870-GC-CG. GRCh37 (hg19) VCF-style: chr20-62065223-GC-CG.
Other names: c.1056_1057delinsCG, p.Arg353Gly (NM_001382235.1, NM_004518.6, NM_172106.3 and 2 more transcripts); short protein forms R353G.
Identifiers: ClinVar variation 1074881 (VCV001074881.8), dbSNP rs2145680059, ClinGen allele CA2499225810.

ClinVar aggregate classification (germline): Pathogenic (1 of 4 stars; one submission).

Conditions:
Early-infantile DEE. Also called: Ohtahara syndrome; Early infantile epileptic encephalopathy with suppression bursts; Early infantile epileptic encephalopathy. Identifiers: Orphanet 1934, MedGen C0393706, MONDO:0800491.

Submission:

Labcorp Genetics (formerly Invitae), Labcorp
Classification: Pathogenic for Early-infantile DEE. Last evaluated: 2020-10-19. Review status: criteria provided, single submitter. Criteria: Invitae Variant Classification Sherloc (09022015). Collection method: clinical testing. Allele origin: germline.
Comment: This variant is not present in population databases (ExAC no frequency). This sequence change replaces arginine with glycine at codon 353 of the KCNQ2 protein (p.Arg353Gly). The arginine residue is moderately conserved and there is a moderate physicochemical difference between arginine and glycine. This missense change has been observed in individual(s) with benign familial neonatal-infantile seizures (PMID: 14985406). It has also been observed to segregate with disease in related individuals. This missense change has been reported to affect KCNQ2 protein function (PMID: 14985406, 19494108, 24349250, 24489773, 17993630, 22643219). This variant disrupts the p.Arg353 amino acid residue in KCNQ2. Other variant(s) that disrupt this residue have been determined to be pathogenic (PMID: 29726930, 25959266, Invitae). This suggests that this residue is clinically significant, and that variants that disrupt this residue are likely to be disease-causing. For these reasons, this variant has been classified as Pathogenic.

Literature cited by the submitters: PubMed 14985406; PubMed 19494108; PubMed 24349250; PubMed 24489773; PubMed 17993630; PubMed 22643219; PubMed 29726930; PubMed 25959266.